The following is an entry in ClinVar:

NM_199242.3(UNC13D):c.3263C>T (p.Pro1088Leu)

Gene: UNC13D (unc-13 homolog D; minus strand). Cytogenetic location: 17q25.1.
Variant type: single nucleotide variant.
Coding change: c.3263C>T on transcript NM_199242.3 (MANE Select); coding-DNA position 3263, C replaced by T.
Protein change: p.Pro1088Leu; replaces proline 1088 with leucine.
Molecular consequence: missense variant.
Genome position (GRCh38, 1-based): chr17:75,827,975, G>A on the plus strand (C>T on the coding strand, the complement: UNC13D is on the minus strand). VCF-style: chr17-75827975-G-A. GRCh37 (hg19) VCF-style: chr17-73824056-G-A.
Other names: short protein forms P1088L.
Identifiers: ClinVar variation 581521 (VCV000581521.10), dbSNP rs564329348, ClinGen allele CA8772202.

ClinVar aggregate classification (germline): Uncertain significance. Review status: criteria provided, multiple submitters, no conflicts (2 of 4 stars). 2 submissions from 2 submitters: Uncertain significance (2). Last evaluated 2025-03-31.

Conditions:
Inborn genetic diseases. Identifiers: MedGen C0950123, MeSH D030342.
Familial hemophagocytic lymphohistiocytosis 3 (FHL3). Also called: UNC13D-Related Familial Hemophagocytic Lymphohistiocytosis (UNC13D-fHLH). Identifiers: Orphanet 540, MedGen C1837174, MONDO:0012146, OMIM 608898.

Allele frequency attached by ClinVar (database versions not stated): gnomAD exomes 0.00001; TOPMed 0.00002; ExAC 0.00003; gnomAD 0.00003 and 0.00004; 1000 Genomes Project 30x 0.00016; 1000 Genomes Project 0.00020.
gnomAD v4.1: 22 of 1,606,148 alleles (0.0014%); highest among the groups gnomAD compares: African/African-American, 0.0093%; no homozygotes.

Submissions (2):

Labcorp Genetics (formerly Invitae), Labcorp
Classification: Uncertain significance for Familial hemophagocytic lymphohistiocytosis 3. Last evaluated: 2025-03-31. Review status: criteria provided, single submitter. Criteria: Invitae Variant Classification Sherloc (09022015). Collection method: clinical testing. Allele origin: germline.
Comment: This sequence change replaces proline, which is neutral and non-polar, with leucine, which is neutral and non-polar, at codon 1088 of the UNC13D protein (p.Pro1088Leu). The frequency data for this variant in the population databases is considered unreliable, as metrics indicate poor data quality at this position in the gnomAD database. This variant has not been reported in the literature in individuals affected with UNC13D-related conditions. ClinVar contains an entry for this variant (Variation ID: 581521). An algorithm developed to predict the effect of missense changes on protein structure and function outputs the following: PolyPhen-2: "Probably Damaging". The leucine amino acid residue is found in multiple mammalian species, which suggests that this missense change does not adversely affect protein function. In summary, the available evidence is currently insufficient to determine the role of this variant in disease. Therefore, it has been classified as a Variant of Uncertain Significance.

Ambry Genetics
Classification: Uncertain significance for Inborn genetic diseases. Last evaluated: 2022-06-29. Review status: criteria provided, single submitter. Criteria: Ambry Variant Classification Scheme 2023. Collection method: clinical testing. Allele origin: germline.